The following is an entry in ClinVar:

ClinVar aggregate classification (germline): Pathogenic (1 of 4 stars; one submission).

Submission:

Labcorp Genetics (formerly Invitae), Labcorp
Classification: Pathogenic. Last evaluated: 2022-08-17. Review status: criteria provided, single submitter. Criteria: Invitae Variant Classification Sherloc (09022015). Collection method: clinical testing. Allele origin: germline.
Comment: For these reasons, this variant has been classified as Pathogenic. This variant disrupts a region of the TRAPPC2 protein in which other variant(s) (p.Arg122*) have been determined to be pathogenic (PMID: 11443194; Invitae). This suggests that this is a clinically significant region of the protein, and that variants that disrupt it are likely to be disease-causing. This variant has not been reported in the literature in individuals affected with TRAPPC2-related conditions. This variant is not present in population databases (gnomAD no frequency). This sequence change creates a premature translational stop signal (p.Tyr106*) in the TRAPPC2 gene. While this is not anticipated to result in nonsense mediated decay, it is expected to disrupt the last 35 amino acid(s) of the TRAPPC2 protein.

Literature cited by the submitters: PubMed 11443194.

NM_001011658.4(TRAPPC2):c.318T>A (p.Tyr106Ter)

Genes: OFD1 (OFD1 centriole and centriolar satellite protein; plus strand), TRAPPC2 (trafficking protein particle complex subunit 2; minus strand). Cytogenetic location: Xp22.2.
Variant type: single nucleotide variant.
Coding change: c.318T>A on transcript NM_001011658.4 (MANE Select); coding-DNA position 318, T replaced by A.
Protein change: p.Tyr106Ter; replaces tyrosine 106 with a stop codon.
Molecular consequence: nonsense.
Genome position (GRCh38, 1-based): chrX:13,716,010, A>T on the plus strand (T>A on the coding strand, the complement: TRAPPC2 is on the minus strand). VCF-style: chrX-13716010-A-T. GRCh37 (hg19) VCF-style: chrX-13734129-A-T.
Other names: c.420T>A, p.Tyr140Ter (NM_001128835.3); c.318T>A, p.Tyr106Ter (NM_014563.6); short protein forms Y106*, Y140*.
Identifiers: ClinVar variation 2022886 (VCV002022886.4), dbSNP rs2518613178, ClinGen allele CA412324152.
Genomic context (GRCh38, chrX:13,716,010, plus strand): 5'-ACAAAGGTCGAATCCTTTCTCATCAGAATTTAAAAATTATAGAACATACCATACCTTTAT[A>T]TATAAATCATAAACATCAGTAAAGAAGTTCTTTATTCCATCTTCTTGTCTTATGTCATGA-3'